The following is an entry in ClinVar:

NM_153460.4(IL17RC):c.1604C>T (p.Ser535Leu)

Gene: IL17RC (interleukin 17 receptor C; plus strand). Cytogenetic location: 3p25.3.
Variant type: single nucleotide variant.
Coding change: c.1604C>T on transcript NM_153460.4 (MANE Select); coding-DNA position 1604, C replaced by T.
Protein change: p.Ser535Leu; replaces serine 535 with leucine.
Molecular consequence: missense variant. On other transcripts: non-coding transcript variant (1).
Genome position (GRCh38, 1-based): chr3:9,933,034, C>T. VCF-style: chr3-9933034-C-T. GRCh37 (hg19) VCF-style: chr3-9974718-C-T.
Other names: c.1565C>T, p.Ser522Leu (NM_001203263.2); c.1514C>T, p.Ser505Leu (NM_001203264.2); c.1508C>T, p.Ser503Leu (NM_001203265.2); c.1526C>T, p.Ser509Leu (NM_001367278.1); c.1445C>T, p.Ser482Leu (NM_001367279.1); c.1520C>T, p.Ser507Leu (NM_001367280.1); c.1559C>T, p.Ser520Leu (NM_032732.6); c.1817C>T, p.Ser606Leu (NM_153461.4); short protein forms S509L, S522L, S535L, S606L, S482L, S507L, S520L, S505L.
Identifiers: ClinVar variation 933449 (VCV000933449.6), dbSNP rs1364389626, ClinGen allele CA351704834.

ClinVar aggregate classification (germline): Uncertain significance (1 of 4 stars; one submission).

Conditions:
Candidiasis, familial, 9 (CANDF9). Identifiers: Orphanet 1334, MedGen C4225324, MONDO:0014642, OMIM 616445.

Allele frequency attached by ClinVar (database versions not stated): gnomAD exomes below 0.00001; TOPMed 0.00002.
gnomAD v4.1: 1 of 1,552,724 alleles (0.000064%); highest among the groups gnomAD compares: Non-Finnish European, 0.000086%; no homozygotes.

Submission:

Labcorp Genetics (formerly Invitae), Labcorp
Classification: Uncertain significance for Candidiasis, familial, 9. Last evaluated: 2021-11-09. Review status: criteria provided, single submitter. Criteria: Invitae Variant Classification Sherloc (09022015). Collection method: clinical testing. Allele origin: germline.
Comment: This sequence change replaces serine, which is neutral and polar, with leucine, which is neutral and non-polar, at codon 606 of the IL17RC protein (p.Ser606Leu). This variant is not present in population databases (gnomAD no frequency). This variant has not been reported in the literature in individuals affected with IL17RC-related conditions. ClinVar contains an entry for this variant (Variation ID: 933449). Algorithms developed to predict the effect of missense changes on protein structure and function are either unavailable or do not agree on the potential impact of this missense change (SIFT: "Deleterious"; PolyPhen-2: "Possibly Damaging"; Align-GVGD: "Class C0"). In summary, the available evidence is currently insufficient to determine the role of this variant in disease. Therefore, it has been classified as a Variant of Uncertain Significance.